The following is an entry in ClinVar:

ClinVar aggregate classification (germline): Likely pathogenic (3 of 4 stars; one submission).

Conditions:
Phenylketonuria (PKU). Also called: OLIGOPHRENIA PHENYLPYRUVICA; Phenylketonurias; Phenylketonuria (PKU); FOLLING DISEASE. Identifiers: Orphanet 716, MedGen C0031485, MONDO:0009861, OMIM 261600. Disease mechanism: loss of function.

Allele frequency attached by ClinVar (database versions not stated): gnomAD exomes below 0.00001.
gnomAD v4.1: 1 of 1,613,874 alleles (0.000062%); highest among the groups gnomAD compares: Non-Finnish European, 0.000085%; no homozygotes.

Submission:

ClinGen PAH Variant Curation Expert Panel
Classification: Likely pathogenic for Phenylketonuria. Last evaluated: 2020-05-15. Review status: reviewed by expert panel. Criteria: ClinGen PAH ACMG Specifications v1. Collection method: curation. Allele origin: germline. Inheritance: Autosomal recessive inheritance.
Comment: The c.1318G>T (p.E440*) is a nonsense variant in exon 13 of 13 of PAH, a gene where loss of function is a known disease mechanism, and is predicted to lead to premature truncation of the protein at amino acid 440/453 (PVS1_Strong). Exon 13 encodes 15 amino acids + stop codon = 3.3% of PAH protein length. Along with Exon 12, Exon 13 forms the oligomerization domain (residues 411-452), which is responsible for the dimerization and tetramerization of the enzyme, important for regulation of PAH activity (e.g., positive cooperativity by the substrate, L-Phe, and decreasing PAH activity at low L-Phe concentration) (see PMID: 23457044; PMID: 22005392). Exon 13 contains the non-truncating Likely Pathogenic p.A447P (Likely Pathogenic by ClinGen PAH VCEP) and Pathogenic p.A447D variants (Likely Pathogenic by ClinGen PAH VCEP; Pathogenic in Clinvar (ID 102595; 4 submitters, 2 stars). Thus PVS1_Strong will be applied for variants resulting in premature truncation of this exon. The variant is absent from ethnically diverse control databases, including gnomAD/ExAC, 1000 Genomes, and ESP (PM2). It has been previously reported in one proband with abnormal blood Phe (BH4 deficiency does not appear to have been formally excluded) (PP4) (PMID: 23842451), in presumed trans with the p.R243* mutation (Pathogenic per PAH VCEP) (0.5 points; PM3_Supporting). Classification: Likely Pathogenic Supporting Criteria: PVS1_Strong; PM2; PM3_Supporting; PP4

NM_000277.3(PAH):c.1318G>T (p.Glu440Ter)

Gene: PAH (phenylalanine hydroxylase; minus strand). Cytogenetic location: 12q23.2.
Variant type: single nucleotide variant.
Coding change: c.1318G>T on transcript NM_000277.3 (MANE Select); coding-DNA position 1318, G replaced by T.
Protein change: p.Glu440Ter; replaces glutamic acid 440 with a stop codon.
Molecular consequence: nonsense.
Genome position (GRCh38, 1-based): chr12:102,839,216, C>A on the plus strand (G>T on the coding strand, the complement: PAH is on the minus strand). VCF-style: chr12-102839216-C-A. GRCh37 (hg19) VCF-style: chr12-103232994-C-A.
Other names: c.1318G>T, p.Glu440Ter (NM_001354304.2); short protein forms E440*.
Identifiers: ClinVar variation 932274 (VCV000932274.1), dbSNP rs1874485021, ClinGen allele CA16020997.